The following is an entry in ClinVar:

NM_030957.4(ADAMTS10):c.167_169del (p.Phe56del)

Gene: ADAMTS10 (ADAM metallopeptidase with thrombospondin type 1 motif 10; minus strand). Cytogenetic location: 19p13.2.
Variant type: Deletion.
Coding change: c.167_169del on transcript NM_030957.4 (MANE Select); coding-DNA positions 167 to 169, 3 bases deleted (TCT; older notation c.167_169delTCT).
Protein change: p.Phe56del; deletes phenylalanine 56.
Molecular consequence: inframe deletion.
Genome position (GRCh38, 1-based): chr19:8,605,278-8,605,280, AGA deleted on the plus strand (TCT on the coding strand, the reverse complement: ADAMTS10 is on the minus strand); deleting any 3 consecutive bases within chr19:8,605,278-8,605,282 gives the same sequence; the c. name uses the placement nearest the transcript's 3' end. VCF-style (leftmost placement, unchanged base first): chr19-8605277-GAGA-G. GRCh37 (hg19) VCF-style: chr19-8670162-GAGA-G.
Other names: short protein forms F56del.
Identifiers: ClinVar variation 1007692 (VCV001007692.4), dbSNP rs782342563, ClinGen allele CA9160914.
Genomic context (GRCh38, chr19:8,605,277, plus strand): 5'-AAGAGGCGGGACTCGGCTGTGGCCCCCGTGCCGCGGCGCTGCCTCCGGGGAGGAGGTGGC[GAGA>G]AGGCCAGCAGTGCCCCGTTGTGGTCCACGCGGGTGGGGAAGGCGATCTCATAGCTCTCCA-3'

ClinVar aggregate classification (germline): Uncertain significance (1 of 4 stars; one submission).

Submission:

Labcorp Genetics (formerly Invitae), Labcorp
Classification: Uncertain significance. Last evaluated: 2022-09-12. Review status: criteria provided, single submitter. Criteria: Invitae Variant Classification Sherloc (09022015). Collection method: clinical testing. Allele origin: germline.
Comment: This variant, c.167_169del, results in the deletion of 1 amino acid(s) of the ADAMTS10 protein (p.Phe56del), but otherwise preserves the integrity of the reading frame. This variant is present in population databases (rs782342563, gnomAD 0.2%). This variant has not been reported in the literature in individuals affected with ADAMTS10-related conditions. ClinVar contains an entry for this variant (Variation ID: 1007692). Experimental studies and prediction algorithms are not available or were not evaluated, and the functional significance of this variant is currently unknown. In summary, the available evidence is currently insufficient to determine the role of this variant in disease. Therefore, it has been classified as a Variant of Uncertain Significance.